The following is an entry in ClinVar:

ClinVar aggregate classification (germline): Likely benign (1 of 4 stars; one submission).

Conditions:
TP63-related disorder. Also called: TP63-related condition; TP63-Related Disorders. Identifiers: MedGen CN380159.

Submission:

PreventionGenetics, part of Exact Sciences
Classification: Likely benign for TP63-related condition. Last evaluated: 2026-05-07. Review status: criteria provided, single submitter. Criteria: ACMG Guidelines, 2015. Collection method: clinical testing. Allele origin: germline.
Comment: This variant is classified as likely benign based on ACMG/AMP sequence variant interpretation guidelines (Richards et al. 2015 PMID: 25741868, with internal and published modifications).

NM_003722.5(TP63):c.1212+8T>G

Gene: TP63 (tumor protein p63; plus strand). Cytogenetic location: 3q28.
Variant type: single nucleotide variant.
Coding change: c.1212+8T>G on transcript NM_003722.5 (MANE Select); 8 bases into the intron after coding-DNA position 1212, T replaced by G.
Molecular consequence: intron variant.
Genome position (GRCh38, 1-based): chr3:189,869,414, T>G. VCF-style: chr3-189869414-T-G. GRCh37 (hg19) VCF-style: chr3-189587203-T-G.
Other names: c.1206+8T>G (NM_001329964.2); c.1212+8T>G (NM_001114978.2, NM_001329144.2, NM_001114979.2); c.1200+8T>G (NM_001329148.2); c.930+8T>G (NM_001114980.2, NM_001114981.2, NM_001329145.2 and 1 more transcripts); c.918+8T>G (NM_001329149.2); c.675+8T>G (NM_001329146.2); c.663+8T>G (NM_001329150.2).
Identifiers: ClinVar variation 4998765 (VCV004998765.1).